The following is an entry in ClinVar:

ClinVar aggregate classification (germline): Likely pathogenic (1 of 4 stars; one submission).

Conditions:
Pierson syndrome. Also called: MICROCORIA-CONGENITAL NEPHROTIC SYNDROME. Identifiers: Orphanet 2670, MedGen C1836876, MONDO:0012184, OMIM 609049.

Submission:

Neuberg Centre For Genomic Medicine, NCGM
Classification: Likely pathogenic for Pierson syndrome. Review status: criteria provided, single submitter. Criteria: ACMG Guidelines, 2015. Collection method: clinical testing. Allele origin: germline. Inheritance: Autosomal recessive inheritance. Affected: yes.
Comment: The frameshift variant c.4882dup(p.Ala1628GlyfsTer4) in LAMB2 gene has not been reported previously as a pathogenic variant nor as a benign variant, to our knowledge. The p.Ala1628GlyfsTer4 variant is novel (not in any individuals) in 1000 Genomes and allele frequency of 0.0007965% is reported in gnomAD. This variant causes a frameshift starting with codon Alanine 1628,changes this amino acid to Glycine residue, and creates a premature Stop codon at position 4 of the new reading frame, denoted p.Ala1628GlyfsTer4. For these reasons, this variant has been classified as Likely Pathogenic.

NM_002292.4(LAMB2):c.4882dup (p.Ala1628fs)

Gene: LAMB2 (laminin subunit beta 2; minus strand). Cytogenetic location: 3p21.31.
Variant type: Duplication.
Coding change: c.4882dup on transcript NM_002292.4 (MANE Select); coding-DNA position 4882, one base duplicated (G; older notation c.4882dupG).
Protein change: p.Ala1628fs; shifts the reading frame from alanine 1628.
Molecular consequence: frameshift variant.
Genome position (GRCh38, 1-based): chr3:49,121,985, C duplicated on the plus strand (G on the coding strand, the reverse complement: LAMB2 is on the minus strand); the first of 6 consecutive C bases (chr3:49,121,985-49,121,990); duplicating any one gives the same sequence. VCF-style (leftmost placement, unchanged base first): chr3-49121984-G-GC. GRCh37 (hg19) VCF-style: chr3-49159417-G-GC.
Other names: short protein forms A1628fs.
Identifiers: ClinVar variation 2585397 (VCV002585397.1), dbSNP rs747602505, ClinGen allele CA2393672.